The following is an entry in ClinVar:

NM_006445.4(PRPF8):c.866+3G>A

Gene: PRPF8 (pre-mRNA processing factor 8; minus strand). Cytogenetic location: 17p13.3.
Variant type: single nucleotide variant.
Coding change: c.866+3G>A on transcript NM_006445.4 (MANE Select); 3 bases into the intron after coding-DNA position 866, G replaced by A.
Molecular consequence: intron variant.
Genome position (GRCh38, 1-based): chr17:1,681,475, C>T on the plus strand (G>A on the coding strand, the complement: PRPF8 is on the minus strand). VCF-style: chr17-1681475-C-T. GRCh37 (hg19) VCF-style: chr17-1584769-C-T.
Identifiers: ClinVar variation 2057975 (VCV002057975.4), dbSNP rs947194173, ClinGen allele CA286816265.

ClinVar aggregate classification (germline): Uncertain significance (1 of 4 stars; one submission).

Allele frequency attached by ClinVar (database versions not stated): gnomAD 0.00003; TOPMed 0.00006.
gnomAD v4.1: 10 of 1,568,882 alleles (0.00064%); highest among the groups gnomAD compares: African/African-American, 0.012%; no homozygotes.

Submission:

Labcorp Genetics (formerly Invitae), Labcorp
Classification: Uncertain significance. Last evaluated: 2022-12-03. Review status: criteria provided, single submitter. Criteria: Invitae Variant Classification Sherloc (09022015). Collection method: clinical testing. Allele origin: germline.
Comment: Variants that disrupt the consensus splice site are a relatively common cause of aberrant splicing (PMID: 17576681, 9536098). Algorithms developed to predict the effect of sequence changes on RNA splicing suggest that this variant is not likely to affect RNA splicing. In summary, the available evidence is currently insufficient to determine the role of this variant in disease. Therefore, it has been classified as a Variant of Uncertain Significance. This variant has not been reported in the literature in individuals affected with PRPF8-related conditions. This variant is present in population databases (no rsID available, gnomAD 0.008%). This sequence change falls in intron 6 of the PRPF8 gene. It does not directly change the encoded amino acid sequence of the PRPF8 protein. It affects a nucleotide within the consensus splice site.

Literature cited by the submitters: PubMed 17576681; PubMed 9536098.